The following is an entry in ClinVar:

NM_000899.5(KITLG):c.639A>G (p.Leu213=)

Gene: KITLG (KIT ligand; minus strand). Cytogenetic location: 12q21.32.
Variant type: single nucleotide variant.
Coding change: c.639A>G on transcript NM_000899.5 (MANE Select); coding-DNA position 639, A replaced by G.
Protein change: p.Leu213=; no amino-acid change (leucine 213 retained).
Molecular consequence: synonymous variant.
Genome position (GRCh38, 1-based): chr12:88,507,103, T>C on the plus strand (A>G on the coding strand, the complement: KITLG is on the minus strand). VCF-style: chr12-88507103-T-C. GRCh37 (hg19) VCF-style: chr12-88900880-T-C.
Other names: c.555A>G, p.Leu185= (NM_003994.6).
Identifiers: ClinVar variation 3057507 (VCV003057507.2), dbSNP rs769039249, ClinGen allele CA481136318.

ClinVar aggregate classification (germline): Likely benign (0 of 4 stars; one submission).

Conditions:
KITLG-related disorder. Also called: KITLG-related condition.

Allele frequency attached by ClinVar (database versions not stated): TOPMed below 0.00001.
gnomAD v4.1: 18 of 1,613,542 alleles (0.0011%); highest among the groups gnomAD compares: East Asian, 0.0022%; no homozygotes.

Submission:

PreventionGenetics, part of Exact Sciences
Classification: Likely benign for KITLG-related condition. Last evaluated: 2019-03-20. Review status: no assertion criteria provided. Collection method: clinical testing. Allele origin: germline.
Comment: This variant is classified as likely benign based on ACMG/AMP sequence variant interpretation guidelines (Richards et al. 2015 PMID: 25741868, with internal and published modifications).